The following is an entry in ClinVar:

NM_017780.4(CHD7):c.1205T>C (p.Met402Thr)

Gene: CHD7 (chromodomain helicase DNA binding protein 7; plus strand). Cytogenetic location: 8q12.2.
Variant type: single nucleotide variant.
Coding change: c.1205T>C on transcript NM_017780.4 (MANE Select); coding-DNA position 1205, T replaced by C.
Protein change: p.Met402Thr; replaces methionine 402 with threonine.
Molecular consequence: missense variant.
Genome position (GRCh38, 1-based): chr8:60,742,637, T>C. VCF-style: chr8-60742637-T-C. GRCh37 (hg19) VCF-style: chr8-61655196-T-C.
Other names: c.1205T>C, p.Met402Thr (NM_001316690.1); short protein forms M402T.
Identifiers: ClinVar variation 1389065 (VCV001389065.17), dbSNP rs775931738, ClinGen allele CA4759451.

ClinVar aggregate classification (germline): Conflicting classifications of pathogenicity. Review status: criteria provided, conflicting classifications (1 of 4 stars). 5 submissions from 5 submitters: Uncertain significance (4); Likely benign (1). Last evaluated 2025-11-13.

Conditions:
CHARGE syndrome (CHARGE). Also called: Hittner Hirsch Kreh syndrome; CHARGE ASSOCIATION--COLOBOMA, HEART ANOMALY, CHOANAL ATRESIA, RETARDATION, GENITAL AND EAR ANOMALIES; Coloboma, heart anomaly, choanal atresia, retardation, genital and ear anomalies; CHARGE association; Hall-Hittner syndrome. Identifiers: Orphanet 138, MedGen C0265354, MONDO:0008965.
Hypogonadotropic hypogonadism 5 with or without anosmia (KAL5). Also called: HYPOGONADOTROPIC HYPOGONADISM 5 WITH ANOSMIA; CHD7-Related GnRH Deficiency (Kallmann Syndrome 5); HYPOGONADOTROPHIC HYPOGONADISM 5 WITHOUT ANOSMIA. Identifiers: Orphanet 478, MedGen C3552553, MONDO:0012880, OMIM 612370. Disease mechanism: loss of function.

Allele frequency attached by ClinVar (database versions not stated): gnomAD exomes below 0.00001; ExAC 0.00001.
gnomAD v4.1: 2 of 1,611,646 alleles (0.00012%); highest among the groups gnomAD compares: Admixed American, 0.0017%; no homozygotes.

Submissions (5):

Labcorp Genetics (formerly Invitae), Labcorp
Classification: Likely benign for CHARGE syndrome. Last evaluated: 2025-11-13. Review status: criteria provided, single submitter. Criteria: Invitae Variant Classification Sherloc (09022015). Collection method: clinical testing. Allele origin: germline.

CeGaT Center for Human Genetics Tuebingen
Classification: Uncertain significance. Last evaluated: 2025-11-01. Review status: criteria provided, single submitter. Criteria: CeGaT Center For Human Genetics Tuebingen Variant Classification Criteria Version 2. Collection method: clinical testing. Allele origin: germline. Affected: yes. Observed: 1 variant allele.
Comment: CHD7: PM2

Fulgent Genetics
Classification: Uncertain significance for CHD7-related CHARGE syndrome; Hypogonadotropic hypogonadism 5 with or without anosmia. Last evaluated: 2024-03-08. Review status: criteria provided, single submitter. Criteria: ACMG Guidelines, 2015. Collection method: clinical testing. Allele origin: germline.

Revvity Omics, Revvity
Classification: Uncertain significance. Last evaluated: 2023-12-12. Review status: criteria provided, single submitter. Criteria: ACMG Guidelines, 2015. Collection method: clinical testing. Allele origin: germline.

Blueprint Genetics
Classification: Uncertain significance. Last evaluated: 2022-05-06. Review status: criteria provided, single submitter. Criteria: ACMG Guidelines, 2015. Collection method: clinical testing. Allele origin: germline.